The following is an entry in ClinVar:

NM_007074.4(CORO1A):c.374T>C (p.Val125Ala)

Gene: CORO1A (coronin 1A; plus strand). Cytogenetic location: 16p11.2.
Variant type: single nucleotide variant.
Coding change: c.374T>C on transcript NM_007074.4 (MANE Select); coding-DNA position 374, T replaced by C.
Protein change: p.Val125Ala; replaces valine 125 with alanine.
Molecular consequence: missense variant.
Genome position (GRCh38, 1-based): chr16:30,186,868, T>C. VCF-style: chr16-30186868-T-C. GRCh37 (hg19) VCF-style: chr16-30198189-T-C.
Other names: c.374T>C, p.Val125Ala (NM_001193333.3); short protein forms V125A.
Identifiers: ClinVar variation 1421669 (VCV001421669.8), dbSNP rs2151062508, ClinGen allele CA395493182.
Genomic context (GRCh38, chr16:30,186,868, plus strand): 5'-CTCTGCAGGTGTGGGAGATCCCAGATGGGGGCCTGATGCTGCCCCTGCGGGAGCCCGTCG[T>C]CACCCTGGAGGGCCACACCAAGCGTGTGGGCATTGTGGCCTGGCACACCACAGCCCAGAA-3'
Protein context (NP_009005.1, residues 115-135): GLMLPLREPV[Val125Ala]TLEGHTKRVG

ClinVar aggregate classification (germline): Uncertain significance (1 of 4 stars; one submission).

Conditions:
Severe combined immunodeficiency due to CORO1A deficiency. Also called: Immunodeficiency 8; IMMUNODEFICIENCY 8 WITH LYMPHOPROLIFERATION. Identifiers: Orphanet 228003, MedGen C3809383, MONDO:0014168, OMIM 615401.

Submission:

Labcorp Genetics (formerly Invitae), Labcorp
Classification: Uncertain significance for Severe combined immunodeficiency due to CORO1A deficiency. Last evaluated: 2026-01-05. Review status: criteria provided, single submitter. Criteria: Invitae Variant Classification Sherloc (09022015). Collection method: clinical testing. Allele origin: germline.
Comment: This sequence change replaces valine, which is neutral and non-polar, with alanine, which is neutral and non-polar, at codon 125 of the CORO1A protein (p.Val125Ala). This variant is not present in population databases (gnomAD no frequency). This variant has not been reported in the literature in individuals affected with CORO1A-related conditions. ClinVar contains an entry for this variant (Variation ID: 1421669). Invitae Evidence Modeling of protein sequence and biophysical properties (such as structural, functional, and spatial information, amino acid conservation, physicochemical variation, residue mobility, and thermodynamic stability) indicates that this missense variant is not expected to disrupt CORO1A protein function with a negative predictive value of 80%. In summary, the available evidence is currently insufficient to determine the role of this variant in disease. Therefore, it has been classified as a Variant of Uncertain Significance.